The following is an entry in ClinVar:

ClinVar aggregate classification (germline): Pathogenic (1 of 4 stars; one submission).

Conditions:
Developmental and epileptic encephalopathy, 9 (DEE9). Also called: Early infantile epileptic encephalopathy 9; EPILEPSY, FEMALE-RESTRICTED, WITH MENTAL RETARDATION; JUBERG-HELLMAN SYNDROME; PCDH19-Related X-Linked Female-Limited Epilepsy with Mental Retardation. Identifiers: Orphanet 101039, Orphanet 2076, MedGen C1848137, MONDO:0010246, OMIM 300088. Disease mechanism: loss of function.

Submission:

Labcorp Genetics (formerly Invitae), Labcorp
Classification: Pathogenic for Developmental and epileptic encephalopathy, 9. Last evaluated: 2024-06-09. Review status: criteria provided, single submitter. Criteria: Invitae Variant Classification Sherloc (09022015). Collection method: clinical testing. Allele origin: germline.
Comment: This sequence change creates a premature translational stop signal (p.Tyr816*) in the PCDH19 gene. It is expected to result in an absent or disrupted protein product. Loss-of-function variants in PCDH19 are known to be pathogenic (PMID: 21053371). This variant is not present in population databases (gnomAD no frequency). This variant has not been reported in the literature in individuals affected with PCDH19-related conditions. For these reasons, this variant has been classified as Pathogenic.

Literature cited by the submitters: PubMed 21053371.

NM_001184880.2(PCDH19):c.2448C>A (p.Tyr816Ter)

Genes: PCDH19 (protocadherin 19; minus strand), LOC125467768 (CDK7 strongly-dependent group 2 enhancer GRCh37_chrX:99657381-99658580; plus strand). Cytogenetic location: Xq22.1.
Variant type: single nucleotide variant.
Coding change: c.2448C>A on transcript NM_001184880.2 (MANE Select); coding-DNA position 2448, C replaced by A.
Protein change: p.Tyr816Ter; replaces tyrosine 816 with a stop codon.
Molecular consequence: nonsense.
Genome position (GRCh38, 1-based): chrX:100,402,692, G>T on the plus strand (C>A on the coding strand, the complement: PCDH19 is on the minus strand). VCF-style: chrX-100402692-G-T. GRCh37 (hg19) VCF-style: chrX-99657690-G-T.
Other names: c.2307C>A, p.Tyr769Ter (NM_001105243.2, NM_020766.3); short protein forms Y769*, Y816*.
Identifiers: ClinVar variation 2764521 (VCV002764521.3), dbSNP rs2520956506, ClinGen allele CA414005793.